The following is an entry in ClinVar:

ClinVar aggregate classification (germline): Uncertain significance. Review status: criteria provided, multiple submitters, no conflicts (2 of 4 stars). 2 submissions from 2 submitters: Uncertain significance (2). Last evaluated 2025-04-12.

Conditions:
Inborn genetic diseases. Identifiers: MedGen C0950123, MeSH D030342.
Brachyolmia-amelogenesis imperfecta syndrome. Also called: PLATYSPONDYLY WITH AMELOGENESIS IMPERFECTA; Tooth agenesis, selective, 6; Dental anomalies and short stature. Identifiers: Orphanet 2899, MedGen C1832594, MONDO:0011018, OMIM 601216. Disease mechanism: loss of function.

Submissions (2):

Ambry Genetics
Classification: Uncertain significance for Inborn genetic diseases. Last evaluated: 2025-04-12. Review status: criteria provided, single submitter. Criteria: Ambry Variant Classification Scheme 2023. Collection method: clinical testing. Allele origin: germline.

Labcorp Genetics (formerly Invitae), Labcorp
Classification: Uncertain significance for Brachyolmia-amelogenesis imperfecta syndrome. Last evaluated: 2025-01-28. Review status: criteria provided, single submitter. Criteria: Invitae Variant Classification Sherloc (09022015). Collection method: clinical testing. Allele origin: germline.
Comment: This sequence change replaces glutamic acid, which is acidic and polar, with aspartic acid, which is acidic and polar, at codon 42 of the LTBP3 protein (p.Glu42Asp). This variant is not present in population databases (gnomAD no frequency). This variant has not been reported in the literature in individuals affected with LTBP3-related conditions. ClinVar contains an entry for this variant (Variation ID: 1765091). Experimental studies and prediction algorithms are not available or were not evaluated, and the functional significance of this variant is currently unknown. In summary, the available evidence is currently insufficient to determine the role of this variant in disease. Therefore, it has been classified as a Variant of Uncertain Significance.

NM_001130144.3(LTBP3):c.126G>C (p.Glu42Asp)

Gene: LTBP3 (latent transforming growth factor beta binding protein 3; minus strand). Cytogenetic location: 11q13.1.
Variant type: single nucleotide variant.
Coding change: c.126G>C on transcript NM_001130144.3 (MANE Select); coding-DNA position 126, G replaced by C.
Protein change: p.Glu42Asp; replaces glutamic acid 42 with aspartic acid.
Molecular consequence: missense variant. On other transcripts: 5 prime UTR variant (1).
Genome position (GRCh38, 1-based): chr11:65,557,834, C>G on the plus strand (G>C on the coding strand, the complement: LTBP3 is on the minus strand). VCF-style: chr11-65557834-C-G. GRCh37 (hg19) VCF-style: chr11-65325305-C-G.
Other names: c.-222G>C (NM_001164266.1); c.126G>C, p.Glu42Asp (NM_021070.4); short protein forms E42D.
Identifiers: ClinVar variation 1765091 (VCV001765091.5), dbSNP rs1303569711, ClinGen allele CA381278528.